The following is an entry in ClinVar:

ClinVar aggregate classification (germline): Uncertain significance (1 of 4 stars; one submission).

Conditions:
Autosomal recessive limb-girdle muscular dystrophy type 2O. Also called: Limb-Girdle Muscular Dystrophy Type 3C; MUSCULAR DYSTROPHY-DYSTROGLYCANOPATHY (LIMB-GIRDLE), TYPE C, 3; MUSCULAR DYSTROPHY-DYSTROGLYCANOPATHY, LIMB-GIRDLE, POMGNT1-RELATED. Identifiers: Orphanet 206564, MedGen C3150417, MONDO:0013161, OMIM 613157.
Muscular dystrophy-dystroglycanopathy (congenital with impaired intellectual development), type B, 3. Also called: MUSCULAR DYSTROPHY, CONGENITAL, POMGNT1-RELATED; Muscular dystrophy-dystroglycanopathy (congenital with intellectual disability), type B3. Identifiers: MedGen C3150412, MONDO:0013155, OMIM 613151.

gnomAD v4.1: 1 of 1,613,924 alleles (0.000062%); highest among the groups gnomAD compares: Non-Finnish European, 0.000085%; no homozygotes.

Submission:

Labcorp Genetics (formerly Invitae), Labcorp
Classification: Uncertain significance for Autosomal recessive limb-girdle muscular dystrophy type 2O; Muscular dystrophy-dystroglycanopathy (congenital with impaired intellectual development), type B, 3. Last evaluated: 2022-03-29. Review status: criteria provided, single submitter. Criteria: Invitae Variant Classification Sherloc (09022015). Collection method: clinical testing. Allele origin: germline.
Comment: This sequence change replaces threonine, which is neutral and polar, with isoleucine, which is neutral and non-polar, at codon 588 of the POMGNT1 protein (p.Thr588Ile). This variant is not present in population databases (gnomAD no frequency). This variant has not been reported in the literature in individuals affected with POMGNT1-related conditions. Advanced modeling of protein sequence and biophysical properties (such as structural, functional, and spatial information, amino acid conservation, physicochemical variation, residue mobility, and thermodynamic stability) performed at Invitae indicates that this missense variant is not expected to disrupt POMGNT1 protein function. In summary, the available evidence is currently insufficient to determine the role of this variant in disease. Therefore, it has been classified as a Variant of Uncertain Significance.

NM_017739.4(POMGNT1):c.1763C>T (p.Thr588Ile)

Genes: POMGNT1 (protein O-linked mannose N-acetylglucosaminyltransferase 1 (beta 1,2-); minus strand), TSPAN1 (tetraspanin 1; plus strand). Cytogenetic location: 1p34.1.
Variant type: single nucleotide variant.
Coding change: c.1763C>T on transcript NM_017739.4 (MANE Select); coding-DNA position 1763, C replaced by T.
Protein change: p.Thr588Ile; replaces threonine 588 with isoleucine.
Molecular consequence: missense variant.
Genome position (GRCh38, 1-based): chr1:46,189,876, G>A on the plus strand (C>T on the coding strand, the complement: POMGNT1 is on the minus strand). VCF-style: chr1-46189876-G-A. GRCh37 (hg19) VCF-style: chr1-46655548-G-A.
Other names: c.1763C>T, p.Thr588Ile (NM_001243766.2, NM_001410783.1); c.1697C>T, p.Thr566Ile (NM_001290129.3); c.1334C>T, p.Thr445Ile (NM_001290130.2); short protein forms T445I, T566I, T588I.
Identifiers: ClinVar variation 1950688 (VCV001950688.2), dbSNP rs749236309, ClinGen allele CA340171253.
Genomic context (GRCh38, chr1:46,189,876, plus strand): 5'-GGGAGGGGTTCTCCAGGGTGGGCATGGTATTGGAGCACCTTGGCAAGCTGGGTCCAGGTG[G>A]TGAAGTCATCATCTTTCTCCATTCGAATAAAGGCCACGTAGGTGTGGCCCTCTGTGTCTG-3'
Protein context (NP_060209.4, residues 578-598): FIRMEKDDDF[Thr588Ile]TWTQLAKCLH